The following is an entry in ClinVar:

ClinVar aggregate classification (germline): Likely pathogenic (1 of 4 stars; one submission).

Conditions:
Intellectual developmental disorder, autosomal dominant 1. Also called: MBD5 Haploinsufficiency; Intellectual disability, autosomal dominant 1. Identifiers: Orphanet 228402, MedGen C1969562, MONDO:0007974, OMIM 156200.

Submission:

Juno Genomics, Hangzhou Juno Genomics, Inc
Classification: Likely pathogenic for Intellectual developmental disorder, autosomal dominant 1. Review status: criteria provided, single submitter. Criteria: ACMG Guidelines, 2015. Collection method: clinical testing. Allele origin: germline.
Comment: Absent from controls (or at extremely low frequency if recessive) in Genome Aggregation Database.;Null variant in a gene where loss of function (LOF) is a known mechanism of disease.

NM_001378120.1(MBD5):c.3195del (p.Asp1065fs)

Gene: MBD5 (methyl-CpG binding domain protein 5; plus strand). Cytogenetic location: 2q23.1.
Variant type: Deletion.
Coding change: c.3195del on transcript NM_001378120.1 (MANE Select); coding-DNA position 3195, one base deleted (C; older notation c.3195delC).
Protein change: p.Asp1065fs; shifts the reading frame from aspartic acid 1065.
Molecular consequence: frameshift variant. On other transcripts: intron variant (6).
Genome position (GRCh38, 1-based): chr2:148,483,786, C deleted. VCF-style (leftmost placement, unchanged base first): chr2-148483785-AC-A. GRCh37 (hg19) VCF-style: chr2-149241354-AC-A.
Other names: c.2845+350del (NM_001438861.1, NM_018328.5, NM_001438862.1 and 3 more transcripts); c.3195del, p.Asp1065fs (NM_001438854.1, NM_001438856.1, NM_001438857.1 and 1 more transcripts); short protein forms D1065fs.
Identifiers: ClinVar variation 4531284 (VCV004531284.2).